The following is an entry in ClinVar:

ClinVar aggregate classification (germline): Uncertain significance (1 of 4 stars; one submission).

Allele frequency attached by ClinVar (database versions not stated): gnomAD 0.00003 and 0.00004; ExAC 0.00004; gnomAD exomes 0.00004 and 0.00006; TOPMed 0.00005; ESP Exome Variant Server 0.00008.
gnomAD v4.1: 57 of 1,572,034 alleles (0.0036%); highest among the groups gnomAD compares: East Asian, 0.012%; 1 homozygote.

Submission:

Labcorp Genetics (formerly Invitae), Labcorp
Classification: Uncertain significance. Last evaluated: 2023-08-24. Review status: criteria provided, single submitter. Criteria: Invitae Variant Classification Sherloc (09022015). Collection method: clinical testing. Allele origin: germline.
Comment: In summary, the available evidence is currently insufficient to determine the role of this variant in disease. Therefore, it has been classified as a Variant of Uncertain Significance. Advanced modeling of protein sequence and biophysical properties (such as structural, functional, and spatial information, amino acid conservation, physicochemical variation, residue mobility, and thermodynamic stability) performed at Invitae indicates that this missense variant is expected to disrupt MCM4 protein function. ClinVar contains an entry for this variant (Variation ID: 1482118). This variant has not been reported in the literature in individuals affected with MCM4-related conditions. This variant is present in population databases (rs146034877, gnomAD 0.03%). This sequence change replaces arginine, which is basic and polar, with histidine, which is basic and polar, at codon 795 of the MCM4 protein (p.Arg795His).

NM_182746.3(MCM4):c.2384G>A (p.Arg795His)

Gene: MCM4 (minichromosome maintenance complex component 4; plus strand). Cytogenetic location: 8q11.21.
Variant type: single nucleotide variant.
Coding change: c.2384G>A on transcript NM_182746.3 (MANE Select); coding-DNA position 2384, G replaced by A.
Protein change: p.Arg795His; replaces arginine 795 with histidine.
Molecular consequence: missense variant.
Genome position (GRCh38, 1-based): chr8:47,975,733, G>A. VCF-style: chr8-47975733-G-A. GRCh37 (hg19) VCF-style: chr8-48888293-G-A.
Other names: c.2384G>A, p.Arg795His (NM_005914.4); short protein forms R795H.
Identifiers: ClinVar variation 1482118 (VCV001482118.6), dbSNP rs146034877, ClinGen allele CA4742905.